The following is an entry in ClinVar:

ClinVar aggregate classification (germline): Uncertain significance (1 of 4 stars; one submission).

Submission:

Labcorp Genetics (formerly Invitae), Labcorp
Classification: Uncertain significance. Last evaluated: 2022-09-27. Review status: criteria provided, single submitter. Criteria: Invitae Variant Classification Sherloc (09022015). Collection method: clinical testing. Allele origin: germline.
Comment: In summary, the available evidence is currently insufficient to determine the role of this variant in disease. Therefore, it has been classified as a Variant of Uncertain Significance. Algorithms developed to predict the effect of missense changes on protein structure and function (SIFT, PolyPhen-2, Align-GVGD) all suggest that this variant is likely to be tolerated. This variant has not been reported in the literature in individuals affected with EYS-related conditions. This variant is not present in population databases (gnomAD no frequency). This sequence change replaces arginine, which is basic and polar, with isoleucine, which is neutral and non-polar, at codon 232 of the EYS protein (p.Arg232Ile).

NM_001142800.2(EYS):c.695G>T (p.Arg232Ile)

Gene: EYS (EGF-like photoreceptor maintenance factor; minus strand). Cytogenetic location: 6q12.
Variant type: single nucleotide variant.
Coding change: c.695G>T on transcript NM_001142800.2 (MANE Select); coding-DNA position 695, G replaced by T.
Protein change: p.Arg232Ile; replaces arginine 232 with isoleucine.
Molecular consequence: missense variant.
Genome position (GRCh38, 1-based): chr6:65,494,716, C>A on the plus strand (G>T on the coding strand, the complement: EYS is on the minus strand). VCF-style: chr6-65494716-C-A. GRCh37 (hg19) VCF-style: chr6-66204609-C-A.
Other names: c.695G>T, p.Arg232Ile (NM_001142801.2, NM_001292009.2, NM_198283.2); short protein forms R232I.
Identifiers: ClinVar variation 2129828 (VCV002129828.4), dbSNP rs139634679, ClinGen allele CA364789344.